The following is an entry in ClinVar:

NM_001384474.1(LOXHD1):c.4936C>T (p.Arg1646Ter)

Gene: LOXHD1 (lipoxygenase homology PLAT domains 1; minus strand). Cytogenetic location: 18q21.1.
Variant type: single nucleotide variant.
Coding change: c.4936C>T on transcript NM_001384474.1 (MANE Select); coding-DNA position 4936, C replaced by T.
Protein change: p.Arg1646Ter; replaces arginine 1646 with a stop codon.
Molecular consequence: nonsense.
Genome position (GRCh38, 1-based): chr18:46,522,250, G>A on the plus strand (C>T on the coding strand, the complement: LOXHD1 is on the minus strand). VCF-style: chr18-46522250-G-A. GRCh37 (hg19) VCF-style: chr18-44102213-G-A.
Other names: c.1603C>T, p.Arg535Ter (NM_001145472.3); c.1315C>T, p.Arg439Ter (NM_001308013.2); c.4936C>T, p.Arg1646Ter (NM_144612.7); short protein forms R1646*, R439*, R535*.
Identifiers: ClinVar variation 1064652 (VCV001064652.13), dbSNP rs960741408, ClinGen allele CA299801029.

ClinVar aggregate classification (germline): Pathogenic/Likely pathogenic. Review status: criteria provided, multiple submitters, no conflicts (2 of 4 stars). 6 submissions from 6 submitters: Pathogenic (3); Likely pathogenic (3). Last evaluated 2025-07-07.

Conditions:
LOXHD1-related disorder. Also called: LOXHD1-related condition.
Autosomal recessive nonsyndromic hearing loss 77. Identifiers: Orphanet 90636, MedGen C2746083, MONDO:0013119, OMIM 613079.

Allele frequency attached by ClinVar (database versions not stated): gnomAD 0.00001; gnomAD exomes 0.00001 and 0.00003; TOPMed 0.00001.
gnomAD v4.1: 21 of 1,551,714 alleles (0.0014%); highest among the groups gnomAD compares: African/African-American, 0.0041%; no homozygotes.

Submissions (6):

Natera, Inc.
Classification: Pathogenic for Autosomal recessive deafness type 77. Last evaluated: 2025-07-07. Review status: criteria provided, single submitter. Criteria: Natera Variant Classification Schema (03/2026). Collection method: clinical testing. Allele origin: germline.
Comment: The c.4936C>T variant in LOXHD1 is a nonsense variant predicted to introduce a stop codon at amino acid 1646. This variant is expected to result in nonsense mediated decay, truncation, or a dysfunctional protein product. This variant is rare in the general population with a frequency below the threshold expected for the associated phenotype(s). This variant has been observed in one or more individuals affected with the associated recessive disease, as either homozygous or compound heterozygous with a second variant (PMID: 32991204). Given the available evidence, this variant is classified as Pathogenic.

Fulgent Genetics
Classification: Likely pathogenic for Autosomal recessive nonsyndromic hearing loss 77. Last evaluated: 2024-03-02. Review status: criteria provided, single submitter. Criteria: ACMG Guidelines, 2015. Collection method: clinical testing. Allele origin: germline.

Labcorp Genetics (formerly Invitae), Labcorp
Classification: Pathogenic. Last evaluated: 2024-01-18. Review status: criteria provided, single submitter. Criteria: Invitae Variant Classification Sherloc (09022015). Collection method: clinical testing. Allele origin: germline.
Comment: This sequence change creates a premature translational stop signal (p.Arg1646*) in the LOXHD1 gene. It is expected to result in an absent or disrupted protein product. Loss-of-function variants in LOXHD1 are known to be pathogenic (PMID: 19732867, 21465660, 25792669). This variant is present in population databases (no rsID available, gnomAD 0.007%). This premature translational stop signal has been observed in individual(s) with clinical features of nonsyndromic deafness (PMID: 26969326). This variant is also known as p.Arg535*. ClinVar contains an entry for this variant (Variation ID: 1064652). For these reasons, this variant has been classified as Pathogenic.

Department of Human Genetics, Hannover Medical School
Classification: Pathogenic for Autosomal recessive nonsyndromic hearing loss 77. Last evaluated: 2023-08-30. Review status: criteria provided, single submitter. Criteria: ACMG Guidelines, 2015. Collection method: clinical testing. Allele origin: germline. Inheritance: Autosomal recessive inheritance. Affected: yes.

Blueprint Genetics
Classification: Likely pathogenic for LOXHD1-related disorders. Last evaluated: 2022-03-22. Review status: criteria provided, single submitter. Criteria: ACMG Guidelines, 2015. Collection method: clinical testing. Allele origin: germline. Affected: yes. Observed: 2 variant alleles.

Neurogenetic Laboratory, Second Faculty of Medicine, Charles University
Classification: Likely pathogenic for Autosomal recessive nonsyndromic hearing loss 77. Last evaluated: 2021-03-30. Review status: criteria provided, single submitter. Criteria: ClinGen HL ACMG Specifications v1. Collection method: clinical testing. Allele origin: germline. Affected: yes.

Literature cited by the submitters: PubMed 32991204 (cited by Natera, Inc.); PubMed 19732867 (cited by Labcorp Genetics (formerly Invitae), Labcorp); PubMed 21465660 (cited by Labcorp Genetics (formerly Invitae), Labcorp); PubMed 25792669 (cited by Labcorp Genetics (formerly Invitae), Labcorp); PubMed 26969326 (cited by Labcorp Genetics (formerly Invitae), Labcorp).